The following is an entry in ClinVar:

NM_001018115.3(FANCD2):c.382G>T (p.Gly128Cys)

Genes: FANCD2 (FA complementation group D2; plus strand), LOC107303338 (3p25 FANCD2 Alu-mediated recombination region; plus strand). Cytogenetic location: 3p25.3.
Variant type: single nucleotide variant.
Coding change: c.382G>T on transcript NM_001018115.3 (MANE Select); coding-DNA position 382, G replaced by T.
Protein change: p.Gly128Cys; replaces glycine 128 with cysteine.
Molecular consequence: missense variant.
Genome position (GRCh38, 1-based): chr3:10,035,177, G>T. VCF-style: chr3-10035177-G-T. GRCh37 (hg19) VCF-style: chr3-10076861-G-T.
Other names: c.382G>T, p.Gly128Cys (NM_001319984.2, NM_001374253.1, NM_001374254.1 and 2 more transcripts); short protein forms G128C.
Identifiers: ClinVar variation 342256 (VCV000342256.12), dbSNP rs772201181, ClinGen allele CA2249202.

ClinVar aggregate classification (germline): Uncertain significance. Review status: criteria provided, multiple submitters, no conflicts (2 of 4 stars). 3 submissions from 3 submitters: Uncertain significance (3). Last evaluated 2025-07-14.

Conditions:
Inborn genetic diseases. Identifiers: MedGen C0950123, MeSH D030342.
Fanconi anemia complementation group D2. Also called: FANCD2-Related Fanconi Anemia; FANCONI PANCYTOPENIA, TYPE 4; FANCONI ANEMIA, COMPLEMENTATION GROUP D. Identifiers: Orphanet 84, MedGen C3160738, MONDO:0009214, OMIM 227646.
Fanconi anemia (FA). Also called: Fanconi's anemia. Identifiers: Orphanet 84, MedGen C0015625, MeSH D005199, MONDO:0019391.

Allele frequency attached by ClinVar (database versions not stated): gnomAD 0.00001; TOPMed 0.00001; ExAC 0.00002; gnomAD exomes 0.00002.
gnomAD v4.1: 24 of 1,612,046 alleles (0.0015%); highest among the groups gnomAD compares: Middle Eastern, 0.016%; 1 homozygote.

Submissions (3):

Labcorp Genetics (formerly Invitae), Labcorp
Classification: Uncertain significance for Fanconi anemia. Last evaluated: 2025-07-14. Review status: criteria provided, single submitter. Criteria: Invitae Variant Classification Sherloc (09022015). Collection method: clinical testing. Allele origin: germline.
Comment: This sequence change replaces glycine, which is neutral and non-polar, with cysteine, which is neutral and slightly polar, at codon 128 of the FANCD2 protein (p.Gly128Cys). This variant is present in population databases (rs772201181, gnomAD 0.04%). This variant has not been reported in the literature in individuals affected with FANCD2-related conditions. ClinVar contains an entry for this variant (Variation ID: 342256). Invitae Evidence Modeling of protein sequence and biophysical properties (such as structural, functional, and spatial information, amino acid conservation, physicochemical variation, residue mobility, and thermodynamic stability) indicates that this missense variant is not expected to disrupt FANCD2 protein function with a negative predictive value of 80%. In summary, the available evidence is currently insufficient to determine the role of this variant in disease. Therefore, it has been classified as a Variant of Uncertain Significance.

Ambry Genetics
Classification: Uncertain significance for Inborn genetic diseases. Last evaluated: 2025-01-17. Review status: criteria provided, single submitter. Criteria: Ambry Variant Classification Scheme 2023. Collection method: clinical testing. Allele origin: germline.

Illumina Laboratory Services, Illumina
Classification: Uncertain significance for Fanconi anemia complementation group D2. Last evaluated: 2018-01-13. Review status: criteria provided, single submitter. Criteria: ICSL Variant Classification Criteria 13 December 2019. Collection method: clinical testing. Allele origin: germline.